The following is an entry in ClinVar:

ClinVar aggregate classification (germline): Uncertain significance (1 of 4 stars; one submission).

Conditions:
Macrocephaly, dysmorphic facies, and psychomotor retardation (MDFPMR). Identifiers: Orphanet 457359, MedGen C4310766, MONDO:0014863, OMIM 617011.

gnomAD v4.1: 1 of 1,552,694 alleles (0.000064%); highest among the groups gnomAD compares: Non-Finnish European, 0.000087%; no homozygotes.

Submission:

Baylor Genetics
Classification: Uncertain significance for Macrocephaly, dysmorphic facies, and psychomotor retardation. Last evaluated: 2020-04-14. Review status: criteria provided, single submitter. Criteria: ACMG Guidelines, 2015. Collection method: clinical testing. Allele origin: unknown. Affected: yes.
Comment: This variant was determined to be of uncertain significance according to ACMG Guidelines, 2015 [PMID:25741868].

NM_003922.4(HERC1):c.5944G>A (p.Glu1982Lys)

Gene: HERC1 (HECT and RLD domain containing E3 ubiquitin protein ligase family member 1; minus strand). Cytogenetic location: 15q22.31.
Variant type: single nucleotide variant.
Coding change: c.5944G>A on transcript NM_003922.4 (MANE Select); coding-DNA position 5944, G replaced by A.
Protein change: p.Glu1982Lys; replaces glutamic acid 1982 with lysine.
Molecular consequence: missense variant.
Genome position (GRCh38, 1-based): chr15:63,689,693, C>T on the plus strand (G>A on the coding strand, the complement: HERC1 is on the minus strand). VCF-style: chr15-63689693-C-T. GRCh37 (hg19) VCF-style: chr15-63981892-C-T.
Other names: short protein forms E1982K.
Identifiers: ClinVar variation 1028678 (VCV001028678.1), dbSNP rs2071991919, ClinGen allele CA392743664.